The following is an entry in ClinVar:

ClinVar aggregate classification (germline): Uncertain significance. Review status: criteria provided, multiple submitters, no conflicts (2 of 4 stars). 2 submissions from 2 submitters: Uncertain significance (2). Last evaluated 2026-02-23.

Conditions:
Ciliary dyskinesia, primary, 37 (CILD37). Also called: CILIARY DYSKINESIA, PRIMARY, 37, WITH OR WITHOUT SITUS INVERSUS. Identifiers: MedGen C4539798, MONDO:0033204, OMIM 617577.
Spermatogenic failure 18. Identifiers: MedGen C4539783, MONDO:0054615, OMIM 617576.

Allele frequency attached by ClinVar (database versions not stated): ExAC 0.00005; TOPMed 0.00017; gnomAD 0.00018; ESP Exome Variant Server 0.00024.
gnomAD v4.1: 40 of 1,600,362 alleles (0.0025%); highest among the groups gnomAD compares: African/African-American, 0.05%; no homozygotes.

Submissions (2):

Ambry Genetics
Classification: Uncertain significance. Last evaluated: 2026-02-23. Review status: criteria provided, single submitter. Criteria: Ambry Variant Classification Scheme 2023. Collection method: clinical testing. Allele origin: germline.

Labcorp Genetics (formerly Invitae), Labcorp
Classification: Uncertain significance for Ciliary dyskinesia, primary, 37; Spermatogenic failure 18. Last evaluated: 2023-04-10. Review status: criteria provided, single submitter. Criteria: Invitae Variant Classification Sherloc (09022015). Collection method: clinical testing. Allele origin: germline.
Comment: In summary, the available evidence is currently insufficient to determine the role of this variant in disease. Therefore, it has been classified as a Variant of Uncertain Significance. Advanced modeling of protein sequence and biophysical properties (such as structural, functional, and spatial information, amino acid conservation, physicochemical variation, residue mobility, and thermodynamic stability) performed at Invitae indicates that this missense variant is not expected to disrupt DNAH1 protein function. ClinVar contains an entry for this variant (Variation ID: 2038103). This variant has not been reported in the literature in individuals affected with DNAH1-related conditions. This variant is present in population databases (rs371591163, gnomAD 0.04%). This sequence change replaces valine, which is neutral and non-polar, with leucine, which is neutral and non-polar, at codon 1290 of the DNAH1 protein (p.Val1290Leu).

NM_015512.5(DNAH1):c.3868G>C (p.Val1290Leu)

Gene: DNAH1 (dynein axonemal heavy chain 1; plus strand). Cytogenetic location: 3p21.1.
Variant type: single nucleotide variant.
Coding change: c.3868G>C on transcript NM_015512.5 (MANE Select); coding-DNA position 3868, G replaced by C.
Protein change: p.Val1290Leu; replaces valine 1290 with leucine.
Molecular consequence: missense variant.
Genome position (GRCh38, 1-based): chr3:52,357,623, G>C. VCF-style: chr3-52357623-G-C. GRCh37 (hg19) VCF-style: chr3-52391639-G-C.
Other names: c.3868G>C (NM_015512.4); short protein forms V1290L.
Identifiers: ClinVar variation 2038103 (VCV002038103.5), dbSNP rs371591163, ClinGen allele CA2433727.